The following is an entry in ClinVar:

ClinVar aggregate classification (germline): Uncertain significance (1 of 4 stars; one submission).

gnomAD v4.1: 1 of 1,609,270 alleles (0.000062%); highest among the groups gnomAD compares: African/African-American, 0.0013%; no homozygotes.

Submission:

Labcorp Genetics (formerly Invitae), Labcorp
Classification: Uncertain significance. Last evaluated: 2022-08-19. Review status: criteria provided, single submitter. Criteria: Invitae Variant Classification Sherloc (09022015). Collection method: clinical testing. Allele origin: germline.
Comment: This sequence change replaces proline, which is neutral and non-polar, with threonine, which is neutral and polar, at codon 111 of the MYSM1 protein (p.Pro111Thr). This variant is present in population databases (no rsID available, gnomAD 0.007%). This variant has not been reported in the literature in individuals affected with MYSM1-related conditions. Algorithms developed to predict the effect of missense changes on protein structure and function are either unavailable or do not agree on the potential impact of this missense change (SIFT: "Tolerated"; PolyPhen-2: "Probably Damaging"; Align-GVGD: "Class C0"). In summary, the available evidence is currently insufficient to determine the role of this variant in disease. Therefore, it has been classified as a Variant of Uncertain Significance.

NM_001085487.3(MYSM1):c.331C>A (p.Pro111Thr)

Gene: MYSM1 (Myb like, SWIRM and MPN domains 1; minus strand). Cytogenetic location: 1p32.1.
Variant type: single nucleotide variant.
Coding change: c.331C>A on transcript NM_001085487.3 (MANE Select); coding-DNA position 331, C replaced by A.
Protein change: p.Pro111Thr; replaces proline 111 with threonine.
Molecular consequence: missense variant.
Genome position (GRCh38, 1-based): chr1:58,689,106, G>T on the plus strand (C>A on the coding strand, the complement: MYSM1 is on the minus strand). VCF-style: chr1-58689106-G-T. GRCh37 (hg19) VCF-style: chr1-59154778-G-T.
Other names: short protein forms P111T.
Identifiers: ClinVar variation 1910856 (VCV001910856.2), dbSNP rs1462070962, ClinGen allele CA340532418.